The following is an entry in ClinVar:

NM_005051.3(QARS1):c.130C>A (p.Leu44Met)

Gene: QARS1 (glutaminyl-tRNA synthetase 1; minus strand). Cytogenetic location: 3p21.31.
Variant type: single nucleotide variant.
Coding change: c.130C>A on transcript NM_005051.3 (MANE Select); coding-DNA position 130, C replaced by A.
Protein change: p.Leu44Met; replaces leucine 44 with methionine.
Molecular consequence: missense variant. On other transcripts: non-coding transcript variant (1).
Genome position (GRCh38, 1-based): chr3:49,104,459, G>T on the plus strand (C>A on the coding strand, the complement: QARS1 is on the minus strand). VCF-style: chr3-49104459-G-T. GRCh37 (hg19) VCF-style: chr3-49141892-G-T.
Other names: c.130C>A, p.Leu44Met (NM_001272073.2); short protein forms L44M.
Identifiers: ClinVar variation 477826 (VCV000477826.6), dbSNP rs752660207, ClinGen allele CA2392287.
Genomic context (GRCh38, chr3:49,104,459, plus strand): 5'-TGAGTCGGGAGGCCAAGCCATATAACAGGATCCCGGTAGCTTTGTCAATGGTGGAACCCA[G>T]GGTCTGCTGAGCCTGAGGTCAGAGGGGTCAAGAGAGAAGCCCCGCGCTCAGTGAGAGGAA-3'
Protein context (NP_005042.1, residues 34-54): REAATQAQQT[Leu44Met]GSTIDKATGI

ClinVar aggregate classification (germline): Uncertain significance (1 of 4 stars; one submission).

Conditions:
Diffuse cerebral and cerebellar atrophy - intractable seizures - progressive microcephaly syndrome. Also called: Microcephaly, progressive, with seizures and cerebral and cerebellar atrophy. Identifiers: Orphanet 404437, MedGen C4014239, MONDO:0014335, OMIM 615760.

Allele frequency attached by ClinVar (database versions not stated): TOPMed 0.00002.
gnomAD v4.1: 6 of 1,614,046 alleles (0.00037%); highest among the groups gnomAD compares: African/African-American, 0.0013%; no homozygotes.

Submission:

Labcorp Genetics (formerly Invitae), Labcorp
Classification: Uncertain significance for Diffuse cerebral and cerebellar atrophy - intractable seizures - progressive microcephaly syndrome. Last evaluated: 2022-07-16. Review status: criteria provided, single submitter. Criteria: Invitae Variant Classification Sherloc (09022015). Collection method: clinical testing. Allele origin: germline.
Comment: In summary, the available evidence is currently insufficient to determine the role of this variant in disease. Therefore, it has been classified as a Variant of Uncertain Significance. Algorithms developed to predict the effect of missense changes on protein structure and function are either unavailable or do not agree on the potential impact of this missense change (SIFT: "Tolerated"; PolyPhen-2: "Not Available"; Align-GVGD: "Class C0"). ClinVar contains an entry for this variant (Variation ID: 477826). This variant has not been reported in the literature in individuals affected with QARS-related conditions. This variant is present in population databases (rs752660207, gnomAD 0.007%). This sequence change replaces leucine, which is neutral and non-polar, with methionine, which is neutral and non-polar, at codon 44 of the QARS protein (p.Leu44Met).